The following is an entry in ClinVar:

NM_000516.7(GNAS):c.575C>T (p.Pro192Leu)

Gene: GNAS (GNAS complex locus; plus strand). Cytogenetic location: 20q13.32.
Variant type: single nucleotide variant.
Coding change: c.575C>T on transcript NM_000516.7 (MANE Select); coding-DNA position 575, C replaced by T.
Protein change: p.Pro192Leu; replaces proline 192 with leucine.
Molecular consequence: missense variant. On other transcripts: 3 prime UTR variant (2).
Genome position (GRCh38, 1-based): chr20:58,909,206, C>T. VCF-style: chr20-58909206-C-T. GRCh37 (hg19) VCF-style: chr20-57484261-C-T.
Other names: c.578C>T, p.Pro193Leu (NM_001077488.5); c.530C>T, p.Pro177Leu (NM_001077489.4); c.*436C>T (NM_001077490.3); c.398C>T, p.Pro133Leu (NM_001309840.2, NM_001309861.2); c.*481C>T (NM_016592.5); c.2504C>T, p.Pro835Leu (NM_080425.4); c.533C>T, p.Pro178Leu (NM_080426.4); c.575C>T (NM_000516.5); short protein forms P133L, P177L, P178L, P192L, P193L, P835L.
Identifiers: ClinVar variation 1223818 (VCV001223818.10), dbSNP rs2091273769, ClinGen allele CA409452044.

ClinVar aggregate classification (germline): Conflicting classifications of pathogenicity. Review status: criteria provided, conflicting classifications (1 of 4 stars). 5 submissions from 5 submitters: Likely pathogenic (3); Uncertain significance (2). Last evaluated 2026-05-01.

Conditions:
Albright hereditary osteodystrophy, pseudohypoparathyroidism, pseudopseudohypoparathyroidism, acrodysostosis and osteoma cutis.
GNAS-related disorder. Identifiers: MedGen CN380105.

Submissions (5):

CeGaT Center for Human Genetics Tuebingen
Classification: Likely pathogenic. Last evaluated: 2026-05-01. Review status: criteria provided, single submitter. Criteria: CeGaT Center For Human Genetics Tuebingen Variant Classification Criteria Version 2. Collection method: clinical testing. Allele origin: germline. Affected: yes. Observed: 1 variant allele.
Comment: GNAS: PM2, PS4:Moderate, PP2, PP3

Cambridge Genomics Laboratory, East Genomic Laboratory Hub, NHS Genomic Medicine Service
Classification: Likely pathogenic for Albright hereditary osteodystrophy, pseudohypoparathyroidism, pseudopseudohypoparathyroidism, acrodysostosis and osteoma cutis. Last evaluated: 2025-08-06. Review status: criteria provided, single submitter. Criteria: ACGS Best Practice Guidelines for Variant Classification in Rare Disease 2020. Collection method: clinical testing. Allele origin: germline. Affected: yes.
Comment: PS4_Moderate,PM2,PP2,PP3

Labcorp Genetics (formerly Invitae), Labcorp
Classification: Uncertain significance. Last evaluated: 2023-11-14. Review status: criteria provided, single submitter. Criteria: Invitae Variant Classification Sherloc (09022015). Collection method: clinical testing. Allele origin: germline.
Comment: This sequence change replaces proline, which is neutral and non-polar, with leucine, which is neutral and non-polar, at codon 192 of the GNAS protein (p.Pro192Leu). This variant is not present in population databases (gnomAD no frequency). This missense change has been observed in individuals with GNAS-related conditions (PMID: 17164301, 29379892). ClinVar contains an entry for this variant (Variation ID: 1223818). Advanced modeling of protein sequence and biophysical properties (such as structural, functional, and spatial information, amino acid conservation, physicochemical variation, residue mobility, and thermodynamic stability) performed at Invitae indicates that this missense variant is expected to disrupt GNAS protein function with a positive predictive value of 80%. In summary, the available evidence is currently insufficient to determine the role of this variant in disease. Therefore, it has been classified as a Variant of Uncertain Significance.

PreventionGenetics, part of Exact Sciences
Classification: Likely pathogenic for GNAS-related condition. Last evaluated: 2023-01-11. Review status: criteria provided, single submitter. Criteria: ACMG Guidelines, 2015. Collection method: clinical testing. Allele origin: germline.
Comment: The GNAS c.575C>T variant is predicted to result in the amino acid substitution p.Pro192Leu. This variant has been reported in at least 4 individuals with pseudohypoparathyroidism (Long et al. 2007. PubMed ID: 17164301; Sano et al. 2017. PubMed ID: 29379892). This variant has not been reported in a large population database, indicating this variant is rare. This variant is interpreted as likely pathogenic.

GeneDx
Classification: Uncertain significance. Last evaluated: 2020-01-12. Review status: criteria provided, single submitter. Criteria: GeneDx Variant Classification Process June 2021. Collection method: clinical testing. Allele origin: germline. Affected: yes.
Comment: Not observed in large population cohorts (Lek et al., 2016); In silico analysis, which includes protein predictors and evolutionary conservation, supports a deleterious effect; This variant is associated with the following publications: (PMID: 26763073, 29379892, 17164301)

Literature cited by the submitters: PubMed 17164301 (cited by Labcorp Genetics (formerly Invitae), Labcorp); PubMed 29379892 (cited by Labcorp Genetics (formerly Invitae), Labcorp).